The following is an entry in ClinVar:

ClinVar aggregate classification (germline): Uncertain significance. Review status: criteria provided, multiple submitters, no conflicts (2 of 4 stars). 2 submissions from 2 submitters: Uncertain significance (2). Last evaluated 2025-06-18.

Conditions:
Inborn genetic diseases. Identifiers: MedGen C0950123, MeSH D030342.

gnomAD v4.1: 17 of 1,613,514 alleles (0.0011%); highest among the groups gnomAD compares: Admixed American, 0.018%; no homozygotes.

Submissions (2):

Ambry Genetics
Classification: Uncertain significance for Inborn genetic diseases. Last evaluated: 2025-06-18. Review status: criteria provided, single submitter. Criteria: Ambry Variant Classification Scheme 2023. Collection method: clinical testing. Allele origin: germline.

GeneDx
Classification: Uncertain significance. Last evaluated: 2025-04-29. Review status: criteria provided, single submitter. Criteria: GeneDx Variant Classification Process June 2021. Collection method: clinical testing. Allele origin: germline. Affected: yes.
Comment: In silico analysis indicates that this missense variant does not alter protein structure/function; Has not been previously published as pathogenic or benign to our knowledge

NM_018122.5(DARS2):c.44C>G (p.Ser15Cys)

Gene: DARS2 (aspartyl-tRNA synthetase 2, mitochondrial; plus strand). Cytogenetic location: 1q25.1.
Variant type: single nucleotide variant.
Coding change: c.44C>G on transcript NM_018122.5 (MANE Select); coding-DNA position 44, C replaced by G.
Protein change: p.Ser15Cys; replaces serine 15 with cysteine.
Molecular consequence: missense variant.
Genome position (GRCh38, 1-based): chr1:173,825,273, C>G. VCF-style: chr1-173825273-C-G. GRCh37 (hg19) VCF-style: chr1-173794411-C-G.
Other names: c.44C>G, p.Ser15Cys (NM_001365212.1, NM_001365213.2); short protein forms S15C.
Identifiers: ClinVar variation 4237634 (VCV004237634.2).